The following is an entry in ClinVar:

ClinVar aggregate classification (germline): Uncertain significance (1 of 4 stars; one submission).

Conditions:
Short-rib thoracic dysplasia 6 with or without polydactyly (SRTD6). Also called: SHORT RIB-POLYDACTYLY SYNDROME, TYPE IIA; Majewski Syndrome; POLYDACTYLY WITH NEONATAL CHONDRODYSTROPHY, TYPE II; SHORT-RIB THORACIC DYSPLASIA 6 WITH POLYDACTYLY; SHORT-RIB THORACIC DYSPLASIA 6 WITHOUT POLYDACTYLY. Identifiers: MedGen C0024507, MONDO:0009894, OMIM 263520.

Submission:

Labcorp Genetics (formerly Invitae), Labcorp
Classification: Uncertain significance for Short-rib thoracic dysplasia 6 with or without polydactyly. Last evaluated: 2024-07-20. Review status: criteria provided, single submitter. Criteria: Invitae Variant Classification Sherloc (09022015). Collection method: clinical testing. Allele origin: germline.
Comment: This sequence change replaces isoleucine, which is neutral and non-polar, with valine, which is neutral and non-polar, at codon 381 of the NEK1 protein (p.Ile381Val). This variant is not present in population databases (gnomAD no frequency). This variant has not been reported in the literature in individuals affected with NEK1-related conditions. An algorithm developed to predict the effect of missense changes on protein structure and function outputs the following: PolyPhen-2: "Benign". The valine amino acid residue is found in multiple mammalian species, which suggests that this missense change does not adversely affect protein function. In summary, the available evidence is currently insufficient to determine the role of this variant in disease. Therefore, it has been classified as a Variant of Uncertain Significance.

NM_001199397.3(NEK1):c.1141A>G (p.Ile381Val)

Gene: NEK1 (NIMA related kinase 1; minus strand). Cytogenetic location: 4q33.
Variant type: single nucleotide variant.
Coding change: c.1141A>G on transcript NM_001199397.3 (MANE Select); coding-DNA position 1141, A replaced by G.
Protein change: p.Ile381Val; replaces isoleucine 381 with valine.
Molecular consequence: missense variant. On other transcripts: non-coding transcript variant (2), intron variant (2).
Genome position (GRCh38, 1-based): chr4:169,561,737, T>C on the plus strand (A>G on the coding strand, the complement: NEK1 is on the minus strand). VCF-style: chr4-169561737-T-C. GRCh37 (hg19) VCF-style: chr4-170482888-T-C.
Other names: c.1141A>G, p.Ile381Val (NM_001199398.3, NM_001199399.3, NM_001199400.3 and 5 more transcripts); c.1140+95A>G (NM_001374421.1, NM_001374420.1); short protein forms I381V.
Identifiers: ClinVar variation 3710314 (VCV003710314.2).